The following is an entry in ClinVar:

NM_001374353.1(GLI2):c.1408C>T (p.Gln470Ter)

Gene: GLI2 (GLI family zinc finger 2; plus strand). Cytogenetic location: 2q14.2.
Variant type: single nucleotide variant.
Coding change: c.1408C>T on transcript NM_001374353.1 (MANE Select); coding-DNA position 1408, C replaced by T.
Protein change: p.Gln470Ter; replaces glutamine 470 with a stop codon.
Molecular consequence: nonsense.
Genome position (GRCh38, 1-based): chr2:120,978,524, C>T. VCF-style: chr2-120978524-C-T. GRCh37 (hg19) VCF-style: chr2-121736100-C-T.
Other names: c.1459C>T, p.Gln487Ter (NM_001371271.1, NM_005270.5); c.1033C>T, p.Gln345Ter (NM_001374354.1); short protein forms Q345*, Q470*, Q487*.
Identifiers: ClinVar variation 3389327 (VCV003389327.14).

ClinVar aggregate classification (germline): Pathogenic (1 of 4 stars; one submission).

Submission:

CeGaT Center for Human Genetics Tuebingen
Classification: Pathogenic. Last evaluated: 2024-10-01. Review status: criteria provided, single submitter. Criteria: CeGaT Center For Human Genetics Tuebingen Variant Classification Criteria Version 2. Collection method: clinical testing. Allele origin: germline. Affected: yes. Observed: 1 variant allele.
Comment: GLI2: PVS1, PM2